The following is an entry in ClinVar:

NM_015041.3(CLUAP1):c.652G>A (p.Glu218Lys)

Gene: CLUAP1 (clusterin associated protein 1; plus strand). Cytogenetic location: 16p13.3.
Variant type: single nucleotide variant.
Coding change: c.652G>A on transcript NM_015041.3 (MANE Select); coding-DNA position 652, G replaced by A.
Protein change: p.Glu218Lys; replaces glutamic acid 218 with lysine.
Molecular consequence: missense variant.
Genome position (GRCh38, 1-based): chr16:3,519,975, G>A. VCF-style: chr16-3519975-G-A. GRCh37 (hg19) VCF-style: chr16-3569975-G-A.
Other names: c.652G>A, p.Glu218Lys (NM_001330454.2); c.154G>A, p.Glu52Lys (NM_024793.3); short protein forms E52K, E218K.
Identifiers: ClinVar variation 957926 (VCV000957926.9), dbSNP rs756460228, ClinGen allele CA7863809.

ClinVar aggregate classification (germline): Uncertain significance (1 of 4 stars; one submission).

Allele frequency attached by ClinVar (database versions not stated): TOPMed 0.00002; gnomAD 0.00004; gnomAD exomes 0.00007; ExAC 0.00008.
gnomAD v4.1: 107 of 1,613,546 alleles (0.0066%); highest among the groups gnomAD compares: Middle Eastern, 0.066%; no homozygotes.

Submission:

Labcorp Genetics (formerly Invitae), Labcorp
Classification: Uncertain significance. Last evaluated: 2025-09-11. Review status: criteria provided, single submitter. Criteria: Invitae Variant Classification Sherloc (09022015). Collection method: clinical testing. Allele origin: germline.
Comment: This sequence change replaces glutamic acid, which is acidic and polar, with lysine, which is basic and polar, at codon 218 of the CLUAP1 protein (p.Glu218Lys). This variant is present in population databases (rs756460228, gnomAD 0.02%). This variant has not been reported in the literature in individuals affected with CLUAP1-related conditions. ClinVar contains an entry for this variant (Variation ID: 957926). Invitae Evidence Modeling of protein sequence and biophysical properties (such as structural, functional, and spatial information, amino acid conservation, physicochemical variation, residue mobility, and thermodynamic stability) indicates that this missense variant is not expected to disrupt CLUAP1 protein function with a negative predictive value of 80%. In summary, the available evidence is currently insufficient to determine the role of this variant in disease. Therefore, it has been classified as a Variant of Uncertain Significance.